The following is an entry in ClinVar:

ClinVar aggregate classification (germline): Uncertain significance. Review status: criteria provided, multiple submitters, no conflicts (2 of 4 stars). 2 submissions from 2 submitters: Uncertain significance (2). Last evaluated 2025-05-22.

Conditions:
Inborn genetic diseases. Identifiers: MedGen C0950123, MeSH D030342.
Fanconi anemia (FA). Also called: Fanconi's anemia. Identifiers: Orphanet 84, MedGen C0015625, MeSH D005199, MONDO:0019391.

Submissions (2):

Labcorp Genetics (formerly Invitae), Labcorp
Classification: Uncertain significance for Fanconi anemia. Last evaluated: 2025-05-22. Review status: criteria provided, single submitter. Criteria: Invitae Variant Classification Sherloc (09022015). Collection method: clinical testing. Allele origin: germline.
Comment: This sequence change replaces glutamic acid, which is acidic and polar, with glutamine, which is neutral and polar, at codon 1416 of the FANCM protein (p.Glu1416Gln). This variant is not present in population databases (gnomAD no frequency). This variant has not been reported in the literature in individuals affected with FANCM-related conditions. ClinVar contains an entry for this variant (Variation ID: 3848807). An algorithm developed to predict the effect of missense changes on protein structure and function (PolyPhen-2) suggests that this variant is likely to be disruptive. In summary, the available evidence is currently insufficient to determine the role of this variant in disease. Therefore, it has been classified as a Variant of Uncertain Significance.

Ambry Genetics
Classification: Uncertain significance for Inborn genetic diseases. Last evaluated: 2025-03-08. Review status: criteria provided, single submitter. Criteria: Ambry Variant Classification Scheme 2023. Collection method: clinical testing. Allele origin: germline.
Comment: The p.E1416Q variant (also known as c.4246G>C), located in coding exon 15 of the FANCM gene, results from a G to C substitution at nucleotide position 4246. The glutamic acid at codon 1416 is replaced by glutamine, an amino acid with highly similar properties. This amino acid position is conserved. In addition, this alteration is predicted to be tolerated by in silico analysis. Based on the available evidence, the clinical significance of this variant remains unclear.

NM_020937.4(FANCM):c.4246G>C (p.Glu1416Gln)

Gene: FANCM (FA complementation group M; plus strand). Cytogenetic location: 14q21.2.
Variant type: single nucleotide variant.
Coding change: c.4246G>C on transcript NM_020937.4 (MANE Select); coding-DNA position 4246, G replaced by C.
Protein change: p.Glu1416Gln; replaces glutamic acid 1416 with glutamine.
Molecular consequence: missense variant.
Genome position (GRCh38, 1-based): chr14:45,181,453, G>C. VCF-style: chr14-45181453-G-C. GRCh37 (hg19) VCF-style: chr14-45650656-G-C.
Other names: c.4168G>C, p.Glu1390Gln (NM_001308133.2); short protein forms E1390Q, E1416Q.
Identifiers: ClinVar variation 3848807 (VCV003848807.2).